The following is an entry in ClinVar:

NM_152424.4(AMER1):c.389C>T (p.Ser130Phe)

Gene: AMER1 (APC membrane recruitment protein 1; minus strand). Cytogenetic location: Xq11.2.
Variant type: single nucleotide variant.
Coding change: c.389C>T on transcript NM_152424.4 (MANE Select); coding-DNA position 389, C replaced by T.
Protein change: p.Ser130Phe; replaces serine 130 with phenylalanine.
Molecular consequence: missense variant.
Genome position (GRCh38, 1-based): chrX:64,192,898, G>A on the plus strand (C>T on the coding strand, the complement: AMER1 is on the minus strand). VCF-style: chrX-64192898-G-A. GRCh37 (hg19) VCF-style: chrX-63412778-G-A.
Other names: short protein forms S130F.
Identifiers: ClinVar variation 3722317 (VCV003722317.2).

ClinVar aggregate classification (germline): Uncertain significance (1 of 4 stars; one submission).

Submission:

Labcorp Genetics (formerly Invitae), Labcorp
Classification: Uncertain significance. Last evaluated: 2024-10-25. Review status: criteria provided, single submitter. Criteria: Invitae Variant Classification Sherloc (09022015). Collection method: clinical testing. Allele origin: germline.
Comment: This sequence change replaces serine, which is neutral and polar, with phenylalanine, which is neutral and non-polar, at codon 130 of the AMER1 protein (p.Ser130Phe). This variant is not present in population databases (gnomAD no frequency). This variant has not been reported in the literature in individuals affected with AMER1-related conditions. An algorithm developed to predict the effect of missense changes on protein structure and function (PolyPhen-2) suggests that this variant is likely to be disruptive. In summary, the available evidence is currently insufficient to determine the role of this variant in disease. Therefore, it has been classified as a Variant of Uncertain Significance.